The following is an entry in ClinVar:

NM_016169.4(SUFU):c.83C>T (p.Ser28Leu)

Genes: SUFU (SUFU negative regulator of hedgehog signaling; plus strand), LOC130004614 (ATAC-STARR-seq lymphoblastoid silent region 2764; plus strand). Cytogenetic location: 10q24.32.
Variant type: single nucleotide variant.
Coding change: c.83C>T on transcript NM_016169.4 (MANE Select); coding-DNA position 83, C replaced by T.
Protein change: p.Ser28Leu; replaces serine 28 with leucine.
Molecular consequence: missense variant.
Genome position (GRCh38, 1-based): chr10:102,504,235, C>T. VCF-style: chr10-102504235-C-T. GRCh37 (hg19) VCF-style: chr10-104263992-C-T.
Other names: c.83C>T, p.Ser28Leu (NM_001178133.2); short protein forms S28L.
Identifiers: ClinVar variation 1763239 (VCV001763239.3), dbSNP rs758001170, ClinGen allele CA5667589.

ClinVar aggregate classification (germline): Uncertain significance. Review status: criteria provided, multiple submitters, no conflicts (2 of 4 stars). 2 submissions from 2 submitters: Uncertain significance (2). Last evaluated 2024-02-25.

Conditions:
Hereditary cancer-predisposing syndrome. Also called: Neoplastic Syndromes, Hereditary; Tumor predisposition; Hereditary Cancer Syndrome; Hereditary neoplastic syndrome. Identifiers: Orphanet 140162, MedGen C0027672, MeSH D009386, MONDO:0015356.
Familial meningioma. Also called: Meningioma, familial, susceptibility to. Identifiers: Orphanet 263662, MedGen C3551915, MONDO:0011789, OMIM 607174.

Allele frequency attached by ClinVar (database versions not stated): gnomAD exomes below 0.00001; TOPMed below 0.00001; ExAC 0.00001; gnomAD 0.00001.
gnomAD v4.1: 2 of 1,600,616 alleles (0.00012%); highest among the groups gnomAD compares: Admixed American, 0.0017%; no homozygotes.

Submissions (2):

Ambry Genetics
Classification: Uncertain significance for Hereditary cancer-predisposing syndrome. Last evaluated: 2024-02-25. Review status: criteria provided, single submitter. Criteria: Ambry Variant Classification Scheme 2023. Collection method: clinical testing. Allele origin: germline.
Comment: The p.S28L variant (also known as c.83C>T), located in coding exon 1 of the SUFU gene, results from a C to T substitution at nucleotide position 83. The serine at codon 28 is replaced by leucine, an amino acid with dissimilar properties. This amino acid position is conserved. In addition, this alteration is predicted to be tolerated by in silico analysis. Since supporting evidence is limited at this time, the clinical significance of this alteration remains unclear.

Baylor Genetics
Classification: Uncertain significance for Familial meningioma. Last evaluated: 2023-11-18. Review status: criteria provided, single submitter. Criteria: ACMG Guidelines, 2015. Collection method: clinical testing. Allele origin: unknown.